The following is an entry in ClinVar:

NM_001903.5(CTNNA1):c.1640G>A (p.Gly547Asp)

Gene: CTNNA1 (catenin alpha 1; plus strand). Cytogenetic location: 5q31.2.
Variant type: single nucleotide variant.
Coding change: c.1640G>A on transcript NM_001903.5 (MANE Select); coding-DNA position 1640, G replaced by A.
Protein change: p.Gly547Asp; replaces glycine 547 with aspartic acid.
Molecular consequence: missense variant.
Genome position (GRCh38, 1-based): chr5:138,924,603, G>A. VCF-style: chr5-138924603-G-A. GRCh37 (hg19) VCF-style: chr5-138260292-G-A.
Other names: c.530G>A, p.Gly177Asp (NM_001323994.1, NM_001323995.1, NM_001324002.1 and 17 more transcripts); c.1640G>A, p.Gly547Asp (NM_001290307.3, NM_001323982.2, NM_001323983.1 and 2 more transcripts); c.1331G>A, p.Gly444Asp (NM_001290309.3); c.1271G>A, p.Gly424Asp (NM_001290310.3); c.1547G>A, p.Gly516Asp (NM_001323986.2); c.191G>A, p.Gly64Asp (NM_001324006.1, NM_001324007.1, NM_001324008.1 and 2 more transcripts); c.437G>A, p.Gly146Asp (NM_001324011.1); c.287G>A, p.Gly96Asp (NM_001324012.1, NM_001324013.1); short protein forms G146D, G424D, G516D, G547D, G64D, G96D, G177D, G444D.
Identifiers: ClinVar variation 3498232 (VCV003498232.1).

ClinVar aggregate classification (germline): Uncertain significance (1 of 4 stars; one submission).

Conditions:
Hereditary cancer-predisposing syndrome. Also called: Tumor predisposition; Neoplastic Syndromes, Hereditary; Hereditary Cancer Syndrome; Hereditary neoplastic syndrome. Identifiers: Orphanet 140162, MedGen C0027672, MeSH D009386, MONDO:0015356.

gnomAD v4.1: 1 of 1,614,118 alleles (0.000062%); no homozygotes.

Submission:

Ambry Genetics
Classification: Uncertain significance for Hereditary cancer-predisposing syndrome. Last evaluated: 2024-08-24. Review status: criteria provided, single submitter. Criteria: Ambry Variant Classification Scheme 2023. Collection method: clinical testing. Allele origin: germline.
Comment: The p.G547D variant (also known as c.1640G>A), located in coding exon 11 of the CTNNA1 gene, results from a G to A substitution at nucleotide position 1640. The glycine at codon 547 is replaced by aspartic acid, an amino acid with similar properties. This amino acid position is conserved. In addition, this alteration is predicted to be deleterious by in silico analysis. Based on the available evidence, the clinical significance of this variant remains unclear.